The following is an entry in ClinVar:

NM_025009.5(CEP135):c.3320G>A (p.Arg1107Gln)

Gene: CEP135 (centrosomal protein 135; plus strand). Cytogenetic location: 4q12.
Variant type: single nucleotide variant.
Coding change: c.3320G>A on transcript NM_025009.5 (MANE Select); coding-DNA position 3320, G replaced by A.
Protein change: p.Arg1107Gln; replaces arginine 1107 with glutamine.
Molecular consequence: missense variant.
Genome position (GRCh38, 1-based): chr4:56,020,780, G>A. VCF-style: chr4-56020780-G-A. GRCh37 (hg19) VCF-style: chr4-56886946-G-A.
Other names: short protein forms R1107Q.
Identifiers: ClinVar variation 210682 (VCV000210682.8), dbSNP rs745603844, ClinGen allele CA207189.

ClinVar aggregate classification (germline): Conflicting classifications of pathogenicity. Review status: criteria provided, conflicting classifications (1 of 4 stars). 3 submissions from 3 submitters: Uncertain significance (2); Likely benign (1). Last evaluated 2022-04-19.

Allele frequency attached by ClinVar (database versions not stated): ExAC 0.00001; gnomAD exomes 0.00001; TOPMed 0.00006; gnomAD 0.00008 and 0.00009.
gnomAD v4.1: 24 of 1,607,034 alleles (0.0015%); highest among the groups gnomAD compares: African/African-American, 0.016%; no homozygotes.

Submissions (3):

Labcorp Genetics (formerly Invitae), Labcorp
Classification: Uncertain significance. Last evaluated: 2022-04-19. Review status: criteria provided, single submitter. Criteria: Invitae Variant Classification Sherloc (09022015). Collection method: clinical testing. Allele origin: germline.
Comment: This sequence change replaces arginine, which is basic and polar, with glutamine, which is neutral and polar, at codon 1107 of the CEP135 protein (p.Arg1107Gln). This variant also falls at the last nucleotide of exon 24, which is part of the consensus splice site for this exon. This variant is present in population databases (rs745603844, gnomAD 0.02%). This variant has not been reported in the literature in individuals affected with CEP135-related conditions. ClinVar contains an entry for this variant (Variation ID: 210682). Algorithms developed to predict the effect of missense changes on protein structure and function are either unavailable or do not agree on the potential impact of this missense change (SIFT: "Tolerated"; PolyPhen-2: "Possibly Damaging"; Align-GVGD: "Class C0"). Variants that disrupt the consensus splice site are a relatively common cause of aberrant splicing (PMID: 17576681, 9536098). In summary, the available evidence is currently insufficient to determine the role of this variant in disease. Therefore, it has been classified as a Variant of Uncertain Significance.

Laboratorio de Genetica e Diagnostico Molecular, Hospital Israelita Albert Einstein
Classification: Likely benign. Last evaluated: 2019-12-25. Review status: criteria provided, single submitter. Criteria: ACMG Guidelines, 2015. Collection method: clinical testing. Allele origin: germline. Affected: yes.
Comment: ACMG classification criteria: PM2, BP1, BP4

Genetic Services Laboratory, University of Chicago
Classification: Uncertain significance. Last evaluated: 2015-05-04. Review status: criteria provided, single submitter. Criteria: ACMG Guidelines, 2015. Collection method: clinical testing. Allele origin: germline.

Literature cited by the submitters: PubMed 17576681 (cited by Labcorp Genetics (formerly Invitae), Labcorp); PubMed 9536098 (cited by Labcorp Genetics (formerly Invitae), Labcorp).